The following is an entry in ClinVar:

ClinVar aggregate classification (germline): Uncertain significance. Review status: criteria provided, multiple submitters, no conflicts (2 of 4 stars). 3 submissions from 3 submitters: Uncertain significance (3). Last evaluated 2025-09-01.

Conditions:
Inborn genetic diseases. Identifiers: MedGen C0950123, MeSH D030342.

Allele frequency attached by ClinVar (database versions not stated): gnomAD 0.00001; ExAC 0.00002; TOPMed 0.00003.
gnomAD v4.1: 50 of 1,613,402 alleles (0.0031%); highest among the groups gnomAD compares: African/African-American, 0.0093%; no homozygotes.

Submissions (3):

Ambry Genetics
Classification: Uncertain significance for Inborn genetic diseases. Last evaluated: 2025-09-01. Review status: criteria provided, single submitter. Criteria: Ambry Variant Classification Scheme 2023. Collection method: clinical testing. Allele origin: germline.

Blueprint Genetics
Classification: Uncertain significance. Last evaluated: 2023-08-18. Review status: criteria provided, single submitter. Criteria: ACMG Guidelines, 2015. Collection method: clinical testing. Allele origin: germline.

Labcorp Genetics (formerly Invitae), Labcorp
Classification: Uncertain significance. Last evaluated: 2022-06-03. Review status: criteria provided, single submitter. Criteria: Invitae Variant Classification Sherloc (09022015). Collection method: clinical testing. Allele origin: germline.
Comment: Advanced modeling of protein sequence and biophysical properties (such as structural, functional, and spatial information, amino acid conservation, physicochemical variation, residue mobility, and thermodynamic stability) performed at Invitae indicates that this missense variant is not expected to disrupt CNGB1 protein function. In summary, the available evidence is currently insufficient to determine the role of this variant in disease. Therefore, it has been classified as a Variant of Uncertain Significance. This variant has not been reported in the literature in individuals affected with CNGB1-related conditions. This variant is present in population databases (rs765835118, gnomAD 0.01%). This sequence change replaces valine, which is neutral and non-polar, with isoleucine, which is neutral and non-polar, at codon 110 of the CNGB1 protein (p.Val110Ile).

NM_001297.5(CNGB1):c.328G>A (p.Val110Ile)

Gene: CNGB1 (cyclic nucleotide gated channel subunit beta 1; minus strand). Cytogenetic location: 16q21.
Variant type: single nucleotide variant.
Coding change: c.328G>A on transcript NM_001297.5 (MANE Select); coding-DNA position 328, G replaced by A.
Protein change: p.Val110Ile; replaces valine 110 with isoleucine.
Molecular consequence: missense variant.
Genome position (GRCh38, 1-based): chr16:57,963,027, C>T on the plus strand (G>A on the coding strand, the complement: CNGB1 is on the minus strand). VCF-style: chr16-57963027-C-T. GRCh37 (hg19) VCF-style: chr16-57996931-C-T.
Other names: c.328G>A, p.Val110Ile (NM_001135639.2, NM_001286130.2); c.328G>A (NM_001297.4); short protein forms V110I.
Identifiers: ClinVar variation 1946193 (VCV001946193.7), dbSNP rs765835118, ClinGen allele CA8083887.
Genomic context (GRCh38, chr16:57,963,027, plus strand): 5'-GCAGTACCTGAGCCGGGTCCTCCGTGATGCTGTGAACAGGCTGCGGGATCACCTTCTCTA[C>T]GCCCTTCATGAGCCAGGTCAGTACCCTGCGGCTGGGACTGCGATGGACAGAGACACCAGC-3'
Protein context (NP_001288.3, residues 100-120): RRVLTWLMKG[Val110Ile]EKVIPQPVHS